The following is an entry in ClinVar:

ClinVar aggregate classification (germline): Conflicting classifications of pathogenicity. Review status: criteria provided, conflicting classifications (1 of 4 stars). 2 submissions from 2 submitters: Uncertain significance (1); Likely benign (1). Last evaluated 2024-12-12.

Conditions:
Hypertrophic cardiomyopathy. Also called: HYPERTROPHIC MYOCARDIOPATHY. Identifiers: Orphanet 217569, MedGen C0007194, MeSH D002312, MONDO:0005045, HP:0001639.

Allele frequency attached by ClinVar (database versions not stated): TOPMed below 0.00001; gnomAD 0.00001.
gnomAD v4.1: 1 of 1,610,526 alleles (0.000062%); highest among the groups gnomAD compares: Non-Finnish European, 0.000085%; no homozygotes.

Submissions (2):

Ambry Genetics
Classification: Likely benign. Last evaluated: 2024-12-12. Review status: criteria provided, single submitter. Criteria: Ambry Variant Classification Scheme 2023. Collection method: clinical testing. Allele origin: germline.

Labcorp Genetics (formerly Invitae), Labcorp
Classification: Uncertain significance for Hypertrophic cardiomyopathy. Last evaluated: 2024-06-30. Review status: criteria provided, single submitter. Criteria: Invitae Variant Classification Sherloc (09022015). Collection method: clinical testing. Allele origin: germline.
Comment: This sequence change replaces glutamic acid, which is acidic and polar, with alanine, which is neutral and non-polar, at codon 81 of the MYOM1 protein (p.Glu81Ala). This variant is not present in population databases (gnomAD no frequency). This variant has not been reported in the literature in individuals affected with MYOM1-related conditions. ClinVar contains an entry for this variant (Variation ID: 1791133). Algorithms developed to predict the effect of missense changes on protein structure and function output the following: SIFT: "Not Available"; PolyPhen-2: "Benign"; Align-GVGD: "Not Available". The alanine amino acid residue is found in multiple mammalian species, which suggests that this missense change does not adversely affect protein function. In summary, the available evidence is currently insufficient to determine the role of this variant in disease. Therefore, it has been classified as a Variant of Uncertain Significance.

NM_003803.4(MYOM1):c.242A>C (p.Glu81Ala)

Gene: MYOM1 (myomesin 1; minus strand). Cytogenetic location: 18p11.31.
Variant type: single nucleotide variant.
Coding change: c.242A>C on transcript NM_003803.4 (MANE Select); coding-DNA position 242, A replaced by C.
Protein change: p.Glu81Ala; replaces glutamic acid 81 with alanine.
Molecular consequence: missense variant.
Genome position (GRCh38, 1-based): chr18:3,214,982, T>G on the plus strand (A>C on the coding strand, the complement: MYOM1 is on the minus strand). VCF-style: chr18-3214982-T-G. GRCh37 (hg19) VCF-style: chr18-3214980-T-G.
Other names: c.242A>C, p.Glu81Ala (NM_019856.2); short protein forms E81A.
Identifiers: ClinVar variation 1791133 (VCV001791133.5), dbSNP rs1367426610, ClinGen allele CA401718005.